The following is an entry in ClinVar:

NM_199242.3(UNC13D):c.1545-2A>G

Gene: UNC13D (unc-13 homolog D; minus strand). Cytogenetic location: 17q25.1.
Variant type: single nucleotide variant.
Coding change: c.1545-2A>G on transcript NM_199242.3 (MANE Select); the canonical splice acceptor site of the intron before coding-DNA position 1545, A replaced by G.
Molecular consequence: splice acceptor variant.
Genome position (GRCh38, 1-based): chr17:75,835,908, T>C on the plus strand (A>G on the coding strand, the complement: UNC13D is on the minus strand). VCF-style: chr17-75835908-T-C. GRCh37 (hg19) VCF-style: chr17-73831989-T-C.
Identifiers: ClinVar variation 1074707 (VCV001074707.9), dbSNP rs766615729, ClinGen allele CA401097221.

ClinVar aggregate classification (germline): Pathogenic (1 of 4 stars; one submission).

Conditions:
Familial hemophagocytic lymphohistiocytosis 3 (FHL3). Also called: UNC13D-Related Familial Hemophagocytic Lymphohistiocytosis (UNC13D-fHLH). Identifiers: Orphanet 540, MedGen C1837174, MONDO:0012146, OMIM 608898.

gnomAD v4.1: 2 of 1,614,174 alleles (0.00012%); highest among the groups gnomAD compares: Admixed American, 0.0017%; no homozygotes.

Submission:

Labcorp Genetics (formerly Invitae), Labcorp
Classification: Pathogenic for Familial hemophagocytic lymphohistiocytosis 3. Last evaluated: 2022-06-04. Review status: criteria provided, single submitter. Criteria: Invitae Variant Classification Sherloc (09022015). Collection method: clinical testing. Allele origin: germline.
Comment: This sequence change affects an acceptor splice site in intron 17 of the UNC13D gene. It is expected to disrupt RNA splicing. Variants that disrupt the donor or acceptor splice site typically lead to a loss of protein function (PMID: 16199547), and loss-of-function variants in UNC13D are known to be pathogenic (PMID: 14622600). This variant is not present in population databases (gnomAD no frequency). Disruption of this splice site has been observed in individuals with familial hemophagocytic lymphohistiocytosis (PMID: 21152410; Invitae). ClinVar contains an entry for this variant (Variation ID: 1074707). Algorithms developed to predict the effect of sequence changes on RNA splicing suggest that this variant may disrupt the consensus splice site. For these reasons, this variant has been classified as Pathogenic.

Literature cited by the submitters: PubMed 16199547; PubMed 14622600; PubMed 21152410.